The following is an entry in ClinVar:

NM_000382.3(ALDH3A2):c.809G>A (p.Gly270Glu)

Gene: ALDH3A2 (aldehyde dehydrogenase 3 family member A2; plus strand). Cytogenetic location: 17p11.2.
Variant type: single nucleotide variant.
Coding change: c.809G>A on transcript NM_000382.3 (MANE Select); coding-DNA position 809, G replaced by A.
Protein change: p.Gly270Glu; replaces glycine 270 with glutamic acid.
Molecular consequence: missense variant.
Genome position (GRCh38, 1-based): chr17:19,661,137, G>A. VCF-style: chr17-19661137-G-A. GRCh37 (hg19) VCF-style: chr17-19564450-G-A.
Other names: c.809G>A, p.Gly270Glu (NM_001031806.2, NM_001369136.1, NM_001369137.2 and 3 more transcripts); c.230G>A, p.Gly77Glu (NM_001369148.2); c.809G>A (NM_000382.2); short protein forms G270E, G77E.
Identifiers: ClinVar variation 2200578 (VCV002200578.3), dbSNP rs371157031, ClinGen allele CA8442926.

ClinVar aggregate classification (germline): Uncertain significance. Review status: criteria provided, multiple submitters, no conflicts (2 of 4 stars). 3 submissions from 3 submitters: Uncertain significance (3). Last evaluated 2025-03-11.

Conditions:
Inborn genetic diseases. Identifiers: MedGen C0950123, MeSH D030342.

Allele frequency attached by ClinVar (database versions not stated): ExAC 0.00003; gnomAD 0.00003; TOPMed 0.00004; ESP Exome Variant Server 0.00008.
gnomAD v4.1: 71 of 1,610,384 alleles (0.0044%); highest among the groups gnomAD compares: Non-Finnish European, 0.0048%; no homozygotes.

Submissions (3):

Ambry Genetics
Classification: Uncertain significance for Inborn genetic diseases. Last evaluated: 2025-03-11. Review status: criteria provided, single submitter. Criteria: Ambry Variant Classification Scheme 2023. Collection method: clinical testing. Allele origin: germline.

Blueprint Genetics
Classification: Uncertain significance. Last evaluated: 2023-06-27. Review status: criteria provided, single submitter. Criteria: ACMG Guidelines, 2015. Collection method: clinical testing. Allele origin: germline.

Labcorp Genetics (formerly Invitae), Labcorp
Classification: Uncertain significance. Last evaluated: 2022-05-10. Review status: criteria provided, single submitter. Criteria: Invitae Variant Classification Sherloc (09022015). Collection method: clinical testing. Allele origin: germline.
Comment: This sequence change replaces glycine, which is neutral and non-polar, with glutamic acid, which is acidic and polar, at codon 270 of the ALDH3A2 protein (p.Gly270Glu). This variant is present in population databases (rs371157031, gnomAD 0.05%). This variant has not been reported in the literature in individuals affected with ALDH3A2-related conditions. Advanced modeling of protein sequence and biophysical properties (such as structural, functional, and spatial information, amino acid conservation, physicochemical variation, residue mobility, and thermodynamic stability) performed at Invitae indicates that this missense variant is expected to disrupt ALDH3A2 protein function. In summary, the available evidence is currently insufficient to determine the role of this variant in disease. Therefore, it has been classified as a Variant of Uncertain Significance.